The following is an entry in ClinVar:

NM_003619.4(PRSS12):c.2269_2270del (p.Arg757fs)

Gene: PRSS12 (serine protease 12; minus strand). Cytogenetic location: 4q26.
Variant type: Microsatellite.
Coding change: c.2269_2270del on transcript NM_003619.4 (MANE Select); coding-DNA positions 2269 to 2270, 2 bases deleted (AG; older notation c.2269_2270delAG).
Protein change: p.Arg757fs; shifts the reading frame from arginine 757.
Molecular consequence: frameshift variant.
Genome position (GRCh38, 1-based): chr4:118,282,881-118,282,882, CT deleted on the plus strand (AG on the coding strand, the reverse complement: PRSS12 is on the minus strand); deleting any 2 consecutive bases within chr4:118,282,881-118,282,889 gives the same sequence; the c. name uses the placement nearest the transcript's 3' end. VCF-style (leftmost placement, unchanged base first): chr4-118282880-CCT-C. GRCh37 (hg19) VCF-style: chr4-119204035-CCT-C.
Other names: c.2269_2270delAG (NM_003619.4); short protein forms R757fs.
Identifiers: ClinVar variation 3339874 (VCV003339874.1).

ClinVar aggregate classification (germline): Uncertain significance (1 of 4 stars; one submission).

Submission:

Women's Health and Genetics/Laboratory Corporation of America, LabCorp
Classification: Uncertain significance. Last evaluated: 2024-06-28. Review status: criteria provided, single submitter. Criteria: LabCorp Variant Classification Summary - May 2015. Collection method: clinical testing. Allele origin: germline.
Comment: Variant summary: PRSS12 c.2269_2270delAG (p.Arg757AlafsX15) results in a premature termination codon, predicted to cause a truncation of the encoded protein or absence of the protein due to nonsense mediated decay, however the molecular mechanism of disease attributed to PRSS12 is gain-of-function. The variant allele was found at a frequency of 1.6e-05 in 251470 control chromosomes. The available data on variant occurrences in the general population are insufficient to allow any conclusion about variant significance. To our knowledge, no occurrence of c.2269_2270delAG in individuals affected with Intellectual Disability, Autosomal Recessive 1 and no experimental evidence demonstrating its impact on protein function have been reported. No submitters have cited clinical-significance assessments for this variant to ClinVar. Based on the evidence outlined above, the variant was classified as uncertain significance.